The following is an entry in ClinVar:

NM_001692.4(ATP6V1B1):c.79C>T (p.Gln27Ter)

Gene: ATP6V1B1 (ATPase H+ transporting V1 subunit B1; plus strand). Cytogenetic location: 2p13.3.
Variant type: single nucleotide variant.
Coding change: c.79C>T on transcript NM_001692.4 (MANE Select); coding-DNA position 79, C replaced by T.
Protein change: p.Gln27Ter; replaces glutamine 27 with a stop codon.
Molecular consequence: nonsense.
Genome position (GRCh38, 1-based): chr2:70,936,033, C>T. VCF-style: chr2-70936033-C-T. GRCh37 (hg19) VCF-style: chr2-71163163-C-T.
Other names: short protein forms Q27*.
Identifiers: ClinVar variation 988216 (VCV000988216.6), dbSNP rs1288346981, ClinGen allele CA347176822.
Genomic context (GRCh38, chr2:70,936,033, plus strand): 5'-AGCAGGCCTGGGGGGCTCCCCGGCAGTAGCTGCAACCTAGGTGCAGCCCGAGAACACATG[C>T]AGGCGGTCACCCGAAACTACATCACCCACCCCCGTGTCAGTGAGTAGCCCCTCCACCGTG-3'

ClinVar aggregate classification (germline): Pathogenic. Review status: criteria provided, multiple submitters, no conflicts (2 of 4 stars). 3 submissions from 3 submitters: Pathogenic (2). 1 of the submissions does not count toward it. Last evaluated 2025-02-03.

Conditions:
Renal tubular acidosis with progressive nerve deafness. Also called: Distal Renal Tubular Acidosis with Progressive Sensorineural Deafness; RENAL TUBULAR ACIDOSIS, AUTOSOMAL RECESSIVE, WITH PROGRESSIVE NERVE DEAFNESS; RTA WITH PROGRESSIVE NERVE DEAFNESS; renal tubular acidosis, distal, 2, with progressive sensorineural hearing loss. Identifiers: MedGen C0403554, MONDO:0009968, OMIM 267300.
Renal tubular acidosis. Identifiers: MedGen C0001126, MONDO:0001909, HP:0001947.

Allele frequency attached by ClinVar (database versions not stated): TOPMed below 0.00001; gnomAD 0.00001.
gnomAD v4.1: 1 of 1,613,944 alleles (0.000062%); highest among the groups gnomAD compares: Non-Finnish European, 0.000085%; no homozygotes.

Submissions (3):

Human Genetics Bochum, Ruhr University Bochum
Classification: Pathogenic for Renal tubular acidosis with progressive nerve deafness. Last evaluated: 2025-02-03. Review status: criteria provided, single submitter. Criteria: ACMG Guidelines, 2015. Collection method: clinical testing. Allele origin: germline. Affected: yes.
Comment: in homozygous state; ACMG criteria used to clasify this variant: PVS1, PM2_SUP, PM3_SUP

Labcorp Genetics (formerly Invitae), Labcorp
Classification: Pathogenic. Last evaluated: 2023-08-09. Review status: criteria provided, single submitter. Criteria: Invitae Variant Classification Sherloc (09022015). Collection method: clinical testing. Allele origin: germline.
Comment: This sequence change creates a premature translational stop signal (p.Gln27*) in the ATP6V1B1 gene. It is expected to result in an absent or disrupted protein product. Loss-of-function variants in ATP6V1B1 are known to be pathogenic (PMID: 9916796, 18368028). This variant is not present in population databases (gnomAD no frequency). This premature translational stop signal has been observed in individual(s) with clinical features of ATP6V1B1-related disorders (PMID: 28844315). ClinVar contains an entry for this variant (Variation ID: 988216). For these reasons, this variant has been classified as Pathogenic.

Sydney Genome Diagnostics, Children's Hospital Westmead
Classification: Likely pathogenic for Renal tubular acidosis. Last evaluated: 2014-04-18. Review status: no assertion criteria provided. Collection method: clinical testing. Allele origin: unknown. Affected: yes. Observed: 1 variant allele, 1 homozygote. Not counted in ClinVar's aggregate classification.

Literature cited by the submitters: PubMed 28844315 (cited by Human Genetics Bochum, Ruhr University Bochum and Labcorp Genetics (formerly Invitae), Labcorp); PubMed 9916796 (cited by Labcorp Genetics (formerly Invitae), Labcorp); PubMed 18368028 (cited by Labcorp Genetics (formerly Invitae), Labcorp).